The following is an entry in ClinVar:

NM_002816.5(PSMD12):c.112G>A (p.Gly38Arg)

Gene: PSMD12 (proteasome 26S subunit, non-ATPase 12; minus strand). Cytogenetic location: 17q24.2.
Variant type: single nucleotide variant.
Coding change: c.112G>A on transcript NM_002816.5 (MANE Select); coding-DNA position 112, G replaced by A.
Protein change: p.Gly38Arg; replaces glycine 38 with arginine.
Molecular consequence: missense variant. On other transcripts: 5 prime UTR variant (1), intron variant (1).
Genome position (GRCh38, 1-based): chr17:67,357,575, C>T on the plus strand (G>A on the coding strand, the complement: PSMD12 is on the minus strand). VCF-style: chr17-67357575-C-T. GRCh37 (hg19) VCF-style: chr17-65353691-C-T.
Other names: c.-66G>A (NM_001316341.2); c.109-144G>A (NM_174871.4); short protein forms G38R.
Identifiers: ClinVar variation 972984 (VCV000972984.3), dbSNP rs2042087429, ClinGen allele CA400806073.

ClinVar aggregate classification (germline): Uncertain significance (1 of 4 stars; one submission).

Conditions:
Stankiewicz-Isidor syndrome (STISS). Identifiers: MedGen C4479599, MONDO:0054591, OMIM 617516.

Allele frequency attached by ClinVar (database versions not stated): gnomAD exomes below 0.00001.

Submission:

GeneDx
Classification: Uncertain significance. Last evaluated: 2024-06-07. Review status: criteria provided, single submitter. Criteria: GeneDx Variant Classification Process June 2021. Collection method: clinical testing. Allele origin: germline. Affected: yes.
Comment: Not observed at significant frequency in large population cohorts (gnomAD); In silico analysis supports that this missense variant has a deleterious effect on protein structure/function; Has not been previously published as pathogenic or benign to our knowledge; In silico analysis is inconclusive as to whether the variant alters gene splicing. In the absence of RNA/functional studies, the actual effect of this sequence change is unknown.